The following is an entry in ClinVar:

NM_000059.4(BRCA2):c.6277C>T (p.His2093Tyr)

Gene: BRCA2 (BRCA2 DNA repair associated; plus strand). Cytogenetic location: 13q13.1.
Variant type: single nucleotide variant.
Coding change: c.6277C>T on transcript NM_000059.4 (MANE Select); coding-DNA position 6277, C replaced by T.
Protein change: p.His2093Tyr; replaces histidine 2093 with tyrosine.
Molecular consequence: missense variant.
Genome position (GRCh38, 1-based): chr13:32,340,632, C>T. VCF-style: chr13-32340632-C-T. GRCh37 (hg19) VCF-style: chr13-32914769-C-T.
Other names: short protein forms H2093Y.
Identifiers: ClinVar variation 826287 (VCV000826287.23), dbSNP rs1593908107, ClinGen allele CA387788982.

ClinVar aggregate classification (germline): Conflicting classifications of pathogenicity. Review status: criteria provided, conflicting classifications (1 of 4 stars). 4 submissions from 4 submitters: Uncertain significance (3); Likely benign (1). Last evaluated 2025-06-23.

Conditions:
Hereditary breast ovarian cancer syndrome. Also called: Hereditary breast and ovarian cancer syndrome; Hereditary breast and ovarian cancer; Hereditary breast and ovarian cancer syndrome (HBOC); Breast and ovarian cancer; Hereditary breast and/or ovarian cancer syndrome; BRCA1- and BRCA2-Associated Hereditary Breast and Ovarian Cancer. Identifiers: Orphanet 145, MedGen C0677776, MeSH D061325, MONDO:0003582. Disease mechanism: loss of function.
Hereditary cancer-predisposing syndrome. Also called: Neoplastic Syndromes, Hereditary; Tumor predisposition; Hereditary neoplastic syndrome; Hereditary Cancer Syndrome. Identifiers: Orphanet 140162, MedGen C0027672, MeSH D009386, MONDO:0015356.

Allele frequency attached by ClinVar (database versions not stated): gnomAD exomes below 0.00001.
gnomAD v4.1: 1 of 1,606,338 alleles (0.000062%); highest among the groups gnomAD compares: Non-Finnish European, 0.000085%; no homozygotes.

Submissions (4):

Ambry Genetics
Classification: Uncertain significance for Hereditary cancer-predisposing syndrome. Last evaluated: 2025-06-23. Review status: criteria provided, single submitter. Criteria: Ambry Variant Classification Scheme 2023. Collection method: clinical testing. Allele origin: germline.
Comment: The p.H2093Y variant (also known as c.6277C>T), located in coding exon 10 of the BRCA2 gene, results from a C to T substitution at nucleotide position 6277. The histidine at codon 2093 is replaced by tyrosine, an amino acid with similar properties. This alteration was not observed in 7,051 unselected female breast cancer patients and was observed with an allele frequency of 0.00018 in 11,241 female controls of Japanese ancestry. In addition, it was not observed in 53 unselected male breast cancer patients and was observed with an allele frequency of 0.0002 in 12,490 male controls of Japanese ancestry (Momozawa Y et al. Nat Commun, 2018 10;9:4083). This amino acid position is poorly conserved in available vertebrate species. In addition, this alteration is predicted to be tolerated by in silico analysis. Since supporting evidence is limited at this time, the clinical significance of this alteration remains unclear.

Labcorp Genetics (formerly Invitae), Labcorp
Classification: Uncertain significance for Hereditary breast ovarian cancer syndrome. Last evaluated: 2025-06-22. Review status: criteria provided, single submitter. Criteria: Invitae Variant Classification Sherloc (09022015). Collection method: clinical testing. Allele origin: germline.
Comment: This sequence change replaces histidine, which is basic and polar, with tyrosine, which is neutral and polar, at codon 2093 of the BRCA2 protein (p.His2093Tyr). This variant is not present in population databases (gnomAD no frequency). This variant has not been reported in the literature in individuals affected with BRCA2-related conditions. ClinVar contains an entry for this variant (Variation ID: 826287). Invitae Evidence Modeling of protein sequence and biophysical properties (such as structural, functional, and spatial information, amino acid conservation, physicochemical variation, residue mobility, and thermodynamic stability) indicates that this missense variant is not expected to disrupt BRCA2 protein function with a negative predictive value of 95%. In summary, the available evidence is currently insufficient to determine the role of this variant in disease. Therefore, it has been classified as a Variant of Uncertain Significance.

University of Washington Department of Laboratory Medicine, University of Washington
Classification: Likely benign for Hereditary cancer-predisposing syndrome. Last evaluated: 2023-03-23. Review status: criteria provided, single submitter. Criteria: Dines et al. (Genet Med. 2020). Collection method: curation. Allele origin: germline.
Comment: Missense variant in a coldspot region where missense variants are very unlikely to be pathogenic (PMID:31911673).

BRCA2 exon 11 coldspot. Reclassification based on statistical prior probability.

ARUP Laboratories, Molecular Genetics and Genomics, ARUP Laboratories
Classification: Uncertain significance. Last evaluated: 2020-07-07. Review status: criteria provided, single submitter. Criteria: ARUP Molecular Germline Variant Investigation Process. Collection method: clinical testing. Allele origin: germline.
Comment: The BRCA2 c.6277C>T; p.His2093Tyr variant is not reported in the literature in association with disease, but it is reported in a cohort of control individuals without a personal or family history of breast cancer (Momozawa 2018). This variant is absent from general population databases (Exome Variant Server, Genome Aggregation Database), indicating it is not a common polymorphism. The histidine at codon 2093 is weakly conserved, and computational analyses (SIFT, PolyPhen-2) predict that this variant is tolerated. However, due to limited information, the clinical significance of the p.His2093Tyr variant is uncertain at this time. References: Momozawa Y et al. Germline pathogenic variants of 11 breast cancer genes in 7,051 Japanese patients and 11,241 controls. Nat Commun. 2018;9(1):4083.

Literature cited by the submitters: PubMed 30287823 (cited by Ambry Genetics).